The following is an entry in ClinVar:

ClinVar aggregate classification (germline): Uncertain significance (1 of 4 stars; one submission).

Conditions:
Holoprosencephaly 3 (HPE3). Identifiers: Orphanet 2162, MedGen C1840529, MONDO:0007733, OMIM 142945.

gnomAD v4.1: 3 of 152,168 alleles (0.002%); highest among the groups gnomAD compares: Non-Finnish European, 0.0044%; no homozygotes.

Submission:

Labcorp Genetics (formerly Invitae), Labcorp
Classification: Uncertain significance for Holoprosencephaly 3. Last evaluated: 2022-09-27. Review status: criteria provided, single submitter. Criteria: Invitae Variant Classification Sherloc (09022015). Collection method: clinical testing. Allele origin: germline.
Comment: Experimental studies and prediction algorithms are not available or were not evaluated, and the effect of this variant on mRNA splicing is currently unknown. In summary, the available evidence is currently insufficient to determine the role of this variant in disease. Therefore, it has been classified as a Variant of Uncertain Significance. This variant has not been reported in the literature in individuals affected with SHH-related conditions. This variant is not present in population databases (gnomAD no frequency). This variant occurs in a non-coding region of the SHH gene. It does not change the encoded amino acid sequence of the SHH protein.

NC_000007.14:g.156769094C>G

Genes: LMBR1 (limb development membrane protein 1; minus strand), SHH (sonic hedgehog signaling molecule; minus strand). Cytogenetic location: 7q36.3.
Variant type: single nucleotide variant.
Molecular consequence: intron variant (on NM_022458.4).
Genome position: GRCh38 VCF-style: chr7-156769094-C-G. GRCh37 (hg19) VCF-style: chr7-156561788-C-G.
Other names: c.424-5299G>C (NM_001363409.2, NM_001350953.2, NM_001363410.2 and 1 more transcripts); c.-33-5299G>C (NM_001350958.2, NM_001350956.2, NM_001350955.2 and 1 more transcripts); c.361-5299G>C (NM_001363412.2); c.145-5299G>C (NM_001350954.2); c.55-5299G>C (NM_001350957.2, NM_001363411.2).
Identifiers: ClinVar variation 2776254 (VCV002776254.3), dbSNP rs933669713, ClinGen allele CA169820931.